The following is an entry in ClinVar:

ClinVar aggregate classification (germline): Uncertain significance (1 of 4 stars; one submission).

Conditions:
Hereditary cancer-predisposing syndrome. Also called: Neoplastic Syndromes, Hereditary; Tumor predisposition; Hereditary neoplastic syndrome; Hereditary Cancer Syndrome. Identifiers: Orphanet 140162, MedGen C0027672, MeSH D009386, MONDO:0015356.

Submission:

Ambry Genetics
Classification: Uncertain significance for Hereditary cancer-predisposing syndrome. Last evaluated: 2023-11-02. Review status: criteria provided, single submitter. Criteria: Ambry Variant Classification Scheme 2023. Collection method: clinical testing. Allele origin: germline.
Comment: The p.Y921D variant (also known as c.2761T>G), located in coding exon 24 of the POLE gene, results from a T to G substitution at nucleotide position 2761. The tyrosine at codon 921 is replaced by aspartic acid, an amino acid with highly dissimilar properties. This amino acid position is conserved. In addition, this alteration is predicted to be deleterious by in silico analysis. Since supporting evidence is limited at this time, the clinical significance of this alteration remains unclear.

NM_006231.4(POLE):c.2761T>G (p.Tyr921Asp)

Gene: POLE (DNA polymerase epsilon, catalytic subunit; minus strand). Cytogenetic location: 12q24.33.
Variant type: single nucleotide variant.
Coding change: c.2761T>G on transcript NM_006231.4 (MANE Select); coding-DNA position 2761, T replaced by G.
Protein change: p.Tyr921Asp; replaces tyrosine 921 with aspartic acid.
Molecular consequence: missense variant.
Genome position (GRCh38, 1-based): chr12:132,661,630, A>C on the plus strand (T>G on the coding strand, the complement: POLE is on the minus strand). VCF-style: chr12-132661630-A-C. GRCh37 (hg19) VCF-style: chr12-133238216-A-C.
Other names: short protein forms Y921D.
Identifiers: ClinVar variation 3225426 (VCV003225426.1), dbSNP rs2135949115, ClinGen allele CA387393891.
Genomic context (GRCh38, chr12:132,661,630, plus strand): 5'-TCATGGCAAGGTAGGGCCCATCAACCTCAAAAAAGATGCTGTTCTCTGAGCGGGTGACGT[A>C]GGTGAGTGAGGACGGCTCAGCCAGCTCCTGGTACTGGTCATTGGTGAAGCCTTCCTGAGA-3'
Protein context (NP_006222.2, residues 911-931): QELAEPSSLT[Tyr921Asp]VTRSENSIFF